The following is an entry in ClinVar:

ClinVar aggregate classification (germline): Uncertain significance (1 of 4 stars; one submission).

Conditions:
Very long chain acyl-CoA dehydrogenase deficiency (ACADVLD). Also called: Very Long-Chain Acyl-Coenzyme A Dehydrogenase Deficiency; VLCAD Deficiency. Identifiers: Orphanet 26793, MedGen C3887523, MONDO:0008723, OMIM 201475.

Submission:

Labcorp Genetics (formerly Invitae), Labcorp
Classification: Uncertain significance for Very long chain acyl-CoA dehydrogenase deficiency. Last evaluated: 2021-09-21. Review status: criteria provided, single submitter. Criteria: Invitae Variant Classification Sherloc (09022015). Collection method: clinical testing. Allele origin: germline.
Comment: This variant is not present in population databases (ExAC no frequency). This sequence change replaces glycine with arginine at codon 173 of the ACADVL protein (p.Gly173Arg). The glycine residue is highly conserved and there is a moderate physicochemical difference between glycine and arginine. This variant has not been reported in the literature in individuals affected with ACADVL-related conditions. Advanced modeling of protein sequence and biophysical properties (such as structural, functional, and spatial information, amino acid conservation, physicochemical variation, residue mobility, and thermodynamic stability) performed at Invitae indicates that this missense variant is expected to disrupt ACADVL protein function. In summary, the available evidence is currently insufficient to determine the role of this variant in disease. Therefore, it has been classified as a Variant of Uncertain Significance.

NM_000018.4(ACADVL):c.517G>C (p.Gly173Arg)

Gene: ACADVL (acyl-CoA dehydrogenase very long chain; plus strand). Cytogenetic location: 17p13.1.
Variant type: single nucleotide variant.
Coding change: c.517G>C on transcript NM_000018.4 (MANE Select); coding-DNA position 517, G replaced by C.
Protein change: p.Gly173Arg; replaces glycine 173 with arginine.
Molecular consequence: missense variant.
Genome position (GRCh38, 1-based): chr17:7,221,577, G>C. VCF-style: chr17-7221577-G-C. GRCh37 (hg19) VCF-style: chr17-7124896-G-C.
Other names: c.451G>C, p.Gly151Arg (NM_001033859.3); c.586G>C, p.Gly196Arg (NM_001270447.2); c.289G>C, p.Gly97Arg (NM_001270448.2); short protein forms G196R, G173R, G151R, G97R.
Identifiers: ClinVar variation 1466233 (VCV001466233.6), dbSNP rs2071227774, ClinGen allele CA397723079.